The following is an entry in ClinVar:

ClinVar aggregate classification (germline): Benign/Likely benign. Review status: criteria provided, multiple submitters, no conflicts (2 of 4 stars). 9 submissions from 9 submitters: Benign (6); Likely benign (3). Last evaluated 2026-01-27.

Conditions:
Combined immunodeficiency due to DOCK8 deficiency (HIES2). Also called: HIES autosomal recessive; DOCK8 Deficiency; HYPER-IgE SYNDROME 2, AUTOSOMAL RECESSIVE, WITH RECURRENT INFECTIONS; Hyper-IgE recurrent infection syndrome, autosomal recessive; HYPER-IgE RECURRENT INFECTION SYNDROME 2, AUTOSOMAL RECESSIVE. Identifiers: Orphanet 217390, MedGen C4722305, MONDO:0009478, OMIM 243700.

Allele frequency attached by ClinVar (database versions not stated): gnomAD exomes 0.00088 and 0.00213; ExAC 0.00236; gnomAD 0.00806 and 0.00865; TOPMed 0.00896; ESP Exome Variant Server 0.00923; 1000 Genomes Project 0.01098; 1000 Genomes Project 30x 0.01109.
gnomAD v4.1: 2,595 of 1,614,014 alleles (0.16%); highest among the groups gnomAD compares: African/African-American, 3%; 42 homozygotes.

Submissions (9):

Labcorp Genetics (formerly Invitae), Labcorp
Classification: Benign for Combined immunodeficiency due to DOCK8 deficiency. Last evaluated: 2026-01-27. Review status: criteria provided, single submitter. Criteria: Invitae Variant Classification Sherloc (09022015). Collection method: clinical testing. Allele origin: germline.

Women's Health and Genetics/Laboratory Corporation of America, LabCorp
Classification: Benign. Last evaluated: 2026-01-22. Review status: criteria provided, single submitter. Criteria: LabCorp Variant Classification Summary - May 2015. Collection method: clinical testing. Allele origin: germline.

Mayo Clinic Laboratories, Mayo Clinic
Classification: Benign. Last evaluated: 2025-05-29. Review status: criteria provided, single submitter. Criteria: ACMG Guidelines, 2015. Collection method: clinical testing. Allele origin: germline. Observed: 5 variant alleles.
Comment: BS1, BS2

Fulgent Genetics
Classification: Likely benign for Combined immunodeficiency due to DOCK8 deficiency. Last evaluated: 2021-12-23. Review status: criteria provided, single submitter. Criteria: ACMG Guidelines, 2015. Collection method: clinical testing. Allele origin: unknown.

Illumina Laboratory Services, Illumina
Classification: Benign for Combined immunodeficiency due to DOCK8 deficiency. Last evaluated: 2018-01-12. Review status: criteria provided, single submitter. Criteria: ICSL Variant Classification Criteria 13 December 2019. Collection method: clinical testing. Allele origin: germline.
Comment: This variant was observed in the ICSL laboratory as part of a predisposition screen in an ostensibly healthy population. It had not been previously curated by ICSL or reported in the Human Gene Mutation Database (HGMD: prior to June 1st, 2018), and was therefore a candidate for classification through an automated scoring system. Utilizing variant allele frequency, disease prevalence and penetrance estimates, and inheritance mode, an automated score was calculated to assess if this variant is too frequent to cause the disease. Based on the score and internal cut-off values, a variant classified as benign is not then subjected to further curation. The score for this variant resulted in a classification of benign for this disease.

Center for Pediatric Genomic Medicine, Children's Mercy Hospital and Clinics
Classification: Likely benign. Last evaluated: 2017-02-27. Review status: criteria provided, single submitter. Criteria: ACMG Guidelines, 2015. Collection method: clinical testing. Allele origin: germline.

GeneDx
Classification: Benign. Last evaluated: 2015-03-03. Review status: criteria provided, single submitter. Criteria: GeneDx Variant Classification Process June 2021. Collection method: clinical testing. Allele origin: germline. Affected: yes.

Laboratory for Molecular Medicine, Mass General Brigham Personalized Medicine
Classification: Benign. Last evaluated: 2013-02-21. Review status: criteria provided, single submitter. Criteria: LMM Criteria. Collection method: clinical testing. Allele origin: germline. Observed: 3 variant alleles.
Comment: 3840+3A>G in intron 30 of DOCK8: This variant is not expected to have clinical s ignificance because it has been identified in 2.7% (119/4406) of African America n chromosomes from a broad population by the NHLBI Exome Sequencing Project (dbSNP rs16938572).

Breakthrough Genomics
Classification: Likely benign. Review status: criteria provided, single submitter. Criteria: ACMG Guidelines, 2015. Collection method: not provided. Allele origin: germline. Inheritance: Autosomal recessive inheritance. Affected: yes.

NM_203447.4(DOCK8):c.3840+3A>G

Gene: DOCK8 (dedicator of cytokinesis 8; plus strand). Cytogenetic location: 9p24.3.
Variant type: single nucleotide variant.
Coding change: c.3840+3A>G on transcript NM_203447.4 (MANE Select); 3 bases into the intron after coding-DNA position 3840, A replaced by G.
Molecular consequence: intron variant.
Genome position (GRCh38, 1-based): chr9:418,210, A>G. VCF-style: chr9-418210-A-G. GRCh37 (hg19) VCF-style: chr9-418210-A-G.
Other names: p.?; c.3636+3A>G (NM_001193536.2); c.3540+3A>G (NM_001190458.2).
Identifiers: ClinVar variation 226614 (VCV000226614.25), dbSNP rs16938572, ClinGen allele CA4958836.